The following is an entry in ClinVar:

NM_012338.4(TSPAN12):c.344A>G (p.Tyr115Cys)

Gene: TSPAN12 (tetraspanin 12; minus strand). Cytogenetic location: 7q31.31.
Variant type: single nucleotide variant.
Coding change: c.344A>G on transcript NM_012338.4 (MANE Select); coding-DNA position 344, A replaced by G.
Protein change: p.Tyr115Cys; replaces tyrosine 115 with cysteine.
Molecular consequence: missense variant.
Genome position (GRCh38, 1-based): chr7:120,815,745, T>C on the plus strand (A>G on the coding strand, the complement: TSPAN12 is on the minus strand). VCF-style: chr7-120815745-T-C. GRCh37 (hg19) VCF-style: chr7-120455799-T-C.
Other names: short protein forms Y115C.
Identifiers: ClinVar variation 1022536 (VCV001022536.9), dbSNP rs772421675, ClinGen allele CA4453941.
Genomic context (GRCh38, chr7:120,815,745, plus strand): 5'-TGAACTGTTGTTTTAGATTGTGATTATATCTATTTTGAACTCACCATAAGTTCCTGTTCA[T>C]ATGTCCAAACGCCACAAGCCAGTTCTACACAGAAAATGACAAGCAAACTTCCAAAGTACT-3'
Protein context (NP_036470.1, residues 105-125): CVELACGVWT[Tyr115Cys]EQELMVPVQW

ClinVar aggregate classification (germline): Uncertain significance. Review status: criteria provided, multiple submitters, no conflicts (2 of 4 stars). 2 submissions from 2 submitters: Uncertain significance (2). Last evaluated 2024-09-24.

Allele frequency attached by ClinVar (database versions not stated): gnomAD 0.00005; TOPMed 0.00006; gnomAD exomes 0.00010 and 0.00015; ExAC 0.00016.
gnomAD v4.1: 222 of 1,612,764 alleles (0.014%); highest among the groups gnomAD compares: Non-Finnish European, 0.018%; no homozygotes.

Submissions (2):

Blueprint Genetics
Classification: Uncertain significance. Last evaluated: 2024-09-24. Review status: criteria provided, single submitter. Criteria: ACMG Guidelines, 2015. Collection method: clinical testing. Allele origin: germline.

Labcorp Genetics (formerly Invitae), Labcorp
Classification: Uncertain significance. Last evaluated: 2024-05-30. Review status: criteria provided, single submitter. Criteria: Invitae Variant Classification Sherloc (09022015). Collection method: clinical testing. Allele origin: germline.
Comment: This sequence change replaces tyrosine, which is neutral and polar, with cysteine, which is neutral and slightly polar, at codon 115 of the TSPAN12 protein (p.Tyr115Cys). This variant is present in population databases (rs772421675, gnomAD 0.02%). This variant has not been reported in the literature in individuals affected with TSPAN12-related conditions. ClinVar contains an entry for this variant (Variation ID: 1022536). Advanced modeling of protein sequence and biophysical properties (such as structural, functional, and spatial information, amino acid conservation, physicochemical variation, residue mobility, and thermodynamic stability) performed at Invitae indicates that this missense variant is not expected to disrupt TSPAN12 protein function with a negative predictive value of 80%. In summary, the available evidence is currently insufficient to determine the role of this variant in disease. Therefore, it has been classified as a Variant of Uncertain Significance.